The following is an entry in ClinVar:

ClinVar aggregate classification (germline): Conflicting classifications of pathogenicity. Review status: criteria provided, conflicting classifications (1 of 4 stars). 6 submissions from 5 submitters: Uncertain significance (4); Likely benign (1). 1 of the submissions does not count toward it. Last evaluated 2026-01-18.

Conditions:
ANK1-related disorder. Also called: ANK1-related condition.
Hereditary spherocytosis type 1. Also called: Spherocytosis type 1; ANK1-Related Spherocytosis. Identifiers: Orphanet 822, MedGen C2674218, MONDO:0008447, OMIM 182900.
Spherocytosis. Identifiers: MedGen C0553720, HP:0004444.

Allele frequency attached by ClinVar (database versions not stated): TOPMed 0.00008; ESP Exome Variant Server 0.00015; 1000 Genomes Project 30x 0.00047; 1000 Genomes Project 0.00060.
gnomAD v4.1: 151 of 1,614,184 alleles (0.0094%); highest among the groups gnomAD compares: Middle Eastern, 0.066%; no homozygotes.

Submissions (6):

Labcorp Genetics (formerly Invitae), Labcorp
Classification: Likely benign. Last evaluated: 2026-01-18. Review status: criteria provided, single submitter. Criteria: Invitae Variant Classification Sherloc (09022015). Collection method: clinical testing. Allele origin: germline.

Mayo Clinic Laboratories, Mayo Clinic
Classification: Uncertain significance. Last evaluated: 2023-06-02. Review status: criteria provided, single submitter. Criteria: ACMG Guidelines, 2015. Collection method: clinical testing. Allele origin: germline. Observed: 1 variant allele.

Illumina Laboratory Services, Illumina
Classification: Uncertain significance for Hereditary spherocytosis type 1. Last evaluated: 2018-01-13. Review status: criteria provided, single submitter. Criteria: ICSL Variant Classification Criteria 13 December 2019. Collection method: clinical testing. Allele origin: germline.

Illumina Laboratory Services, Illumina
Classification: Uncertain significance for Spherocytosis. Last evaluated: 2018-01-13. Review status: criteria provided, single submitter. Criteria: ICSL Variant Classification Criteria 13 December 2019. Collection method: clinical testing. Allele origin: germline.

ARUP Laboratories, Molecular Genetics and Genomics, ARUP Laboratories
Classification: Uncertain significance. Last evaluated: 2017-08-30. Review status: criteria provided, single submitter. Criteria: ARUP Molecular Germline Variant Investigation Process. Collection method: clinical testing. Allele origin: germline.

PreventionGenetics, part of Exact Sciences
Classification: Likely benign for ANK1-related condition. Last evaluated: 2022-08-29. Review status: no assertion criteria provided. Collection method: clinical testing. Allele origin: germline. Not counted in ClinVar's aggregate classification.
Comment: This variant is classified as likely benign based on ACMG/AMP sequence variant interpretation guidelines (Richards et al. 2015 PMID: 25741868, with internal and published modifications).

NM_000037.4(ANK1):c.965G>T (p.Arg322Leu)

Gene: ANK1 (ankyrin 1; minus strand). Cytogenetic location: 8p11.21.
Variant type: single nucleotide variant.
Coding change: c.965G>T on transcript NM_000037.4 (MANE Select); coding-DNA position 965, G replaced by T.
Protein change: p.Arg322Leu; replaces arginine 322 with leucine.
Molecular consequence: missense variant.
Genome position (GRCh38, 1-based): chr8:41,719,803, C>A on the plus strand (G>T on the coding strand, the complement: ANK1 is on the minus strand). VCF-style: chr8-41719803-C-A. GRCh37 (hg19) VCF-style: chr8-41577321-C-A.
Other names: c.965G>T (NM_020476.2); c.1064G>T, p.Arg355Leu (NM_001142446.2); c.965G>T, p.Arg322Leu (NM_020475.3, NM_020476.3, NM_020477.3); short protein forms R322L, R355L.
Identifiers: ClinVar variation 617976 (VCV000617976.16), dbSNP rs183864227, ClinGen allele CA4728779.